The following is an entry in ClinVar:

ClinVar aggregate classification (germline): Uncertain significance. Review status: criteria provided, multiple submitters, no conflicts (2 of 4 stars). 2 submissions from 2 submitters: Uncertain significance (2). Last evaluated 2026-08-27.

Allele frequency attached by ClinVar (database versions not stated): ExAC 0.00060; gnomAD exomes 0.00062; gnomAD 0.00093; 1000 Genomes Project 30x 0.00094; 1000 Genomes Project 0.00100; TOPMed 0.00101; ESP Exome Variant Server 0.00146.

Submissions (2):

GeneDx
Classification: Uncertain significance. Last evaluated: 2026-08-27. Review status: criteria provided, single submitter. Criteria: GeneDx Variant Classification Process June 2021. Collection method: clinical testing. Allele origin: germline.
Comment: In silico analysis suggests that this missense variant does not alter protein structure/function; Has not been previously published as pathogenic or benign to our knowledge

Women's Health and Genetics/Laboratory Corporation of America, LabCorp
Classification: Uncertain significance. Last evaluated: 2024-05-22. Review status: criteria provided, single submitter. Criteria: LabCorp Variant Classification Summary - May 2015. Collection method: clinical testing. Allele origin: germline.
Comment: Variant summary: GLI1 c.1603C>T (p.Pro535Ser) results in a non-conservative amino acid change in the encoded protein sequence. Four of five in-silico tools predict a benign effect of the variant on protein function. The variant allele was found at a frequency of 0.00055 in 223602 control chromosomes. This frequency is not significantly higher than estimated for a pathogenic variant in GLI1 causing GLI1-Related Disorders, allowing no conclusion about variant significance. To our knowledge, no occurrence of c.1603C>T in individuals affected with GLI1-Related Disorders and no experimental evidence demonstrating its impact on protein function have been reported. ClinVar contains an entry for this variant (Variation ID: 2502681). Based on the evidence outlined above, the variant was classified as uncertain significance.

NM_005269.3(GLI1):c.1603C>T (p.Pro535Ser)

Gene: GLI1 (GLI family zinc finger 1; plus strand). Cytogenetic location: 12q13.3.
Variant type: single nucleotide variant.
Coding change: c.1603C>T on transcript NM_005269.3 (MANE Select); coding-DNA position 1603, C replaced by T.
Protein change: p.Pro535Ser; replaces proline 535 with serine.
Molecular consequence: missense variant.
Genome position (GRCh38, 1-based): chr12:57,470,343, C>T. VCF-style: chr12-57470343-C-T. GRCh37 (hg19) VCF-style: chr12-57864126-C-T.
Other names: c.1219C>T, p.Pro407Ser (NM_001160045.2); c.1480C>T, p.Pro494Ser (NM_001167609.2); short protein forms P407S, P494S, P535S.
Identifiers: ClinVar variation 2502681 (VCV002502681.3), dbSNP rs144673003, ClinGen allele CA6648835.